The following is an entry in ClinVar:

NM_001033855.3(DCLRE1C):c.161+2T>G

Gene: DCLRE1C (DNA cross-link repair 1C; minus strand). Cytogenetic location: 10p13.
Variant type: single nucleotide variant.
Coding change: c.161+2T>G on transcript NM_001033855.3 (MANE Select); the canonical splice donor site of the intron after coding-DNA position 161, T replaced by G.
Molecular consequence: splice donor variant. On other transcripts: intron variant (2).
Genome position (GRCh38, 1-based): chr10:14,949,034, A>C on the plus strand (T>G on the coding strand, the complement: DCLRE1C is on the minus strand). VCF-style: chr10-14949034-A-C. GRCh37 (hg19) VCF-style: chr10-14991033-A-C.
Other names: c.-128-3845T>G (NM_001350966.2, NM_001289078.2); c.161+2T>G (NM_001350965.2); c.-285+2T>G (NM_001350967.2, NM_001033857.3); c.-44+2T>G (NM_001289076.2); c.-129+2T>G (NM_022487.4); c.-331+2T>G (NM_001289077.2); c.-653+2T>G (NM_001289079.2); c.-607+2T>G (NM_001033858.3).
Identifiers: ClinVar variation 1722324 (VCV001722324.3), dbSNP rs2492399115, ClinGen allele CA376064378.

ClinVar aggregate classification (germline): Pathogenic. Review status: reviewed by expert panel (3 of 4 stars). 3 submissions from 3 submitters: Pathogenic (1). 2 of the submissions do not count toward it. Last evaluated 2024-01-23.

Conditions:
Severe combined immunodeficiency disease. Also called: Severe combined immunodeficiency; Severe Combined Immune Deficiency. Identifiers: Orphanet 183660, MedGen C0085110, MeSH D016511, MONDO:0015974, HP:0004430. Inheritance: X-Linked or Autosomal recessive.
Severe combined immunodeficiency due to DCLRE1C deficiency (RS-SCID). Also called: SCID, AUTOSOMAL RECESSIVE, T CELL-NEGATIVE, B CELL-NEGATIVE, NK CELL-POSITIVE, WITH SENSITIVITY TO IONIZING RADIATION. Identifiers: Orphanet 275, MedGen C1865371, MONDO:0011225, OMIM 602450.

Submissions (3):

ClinGen Severe Combined Immunodeficiency Variant Curation Expert Panel, ClinGen
Classification: Pathogenic for Severe combined immunodeficiency due to DCLRE1C deficiency. Last evaluated: 2024-01-23. Review status: reviewed by expert panel. Criteria: ClinGen SCID ACMG Specifications DCLRE1C V1.0.0. Collection method: curation. Allele origin: germline. Inheritance: Autosomal recessive inheritance.
Comment: The c.161+2T>G (NM_001033855.3) variant in DCLRE1C occurs within the canonical splice donor site (+2) of intron 2. It is predicted to cause skipping of a biologically relevant exon, resulting in a frameshift leading to nonsense-mediated decay in a gene in which loss-of-function is an established disease mechanism (PVS1 is met). This variant is absent from gnomAD v2.1.1 (PM2_Supporting). Although patients carrying this variant have not been published in the literature, there is one ClinVar entry from Cowan and Puck Lab, Allergy Immunology and BMT Division, UCSF Benioff Children's Hospital Accession: SCV002598533.1. By internal communication, 0.5 pts for the information that the patient is homozygous. PM3_Suppoting. The patient presented: * Vector-based complementation corrected increased cellular radiosensitivity and/or decreased V(D)J recombination: 2 points, PP4_Moderate. In summary, this variant meets the criteria to be classified as a Pathogenic for autosomal recessive severe combined immunodeficiency due to DCLRE1C deficiency based on the ACMG/AMP criteria applied, as specified by the ClinGen SCID VCEP: PVS1, PM2_Supporting, PM3_Supporting, and PP4_Moderate (VCEP specifications version 1).

Women's Health and Genetics/Laboratory Corporation of America, LabCorp
Classification: Pathogenic for Severe combined immunodeficiency disease. Last evaluated: 2024-10-04. Review status: criteria provided, single submitter. Criteria: LabCorp Variant Classification Summary - May 2015. Collection method: clinical testing. Allele origin: germline. Not counted in ClinVar's aggregate classification.
Comment: Variant summary: DCLRE1C c.161+2T>G is located in a canonical splice-site and is predicted to affect mRNA splicing resulting in a significantly altered protein due to either exon skipping, shortening, or inclusion of intronic material. Variants that disrupt the consensus splice site are a relatively common cause of aberrant splicing and loss of DCLRE1C function. Several computational tools predict a significant impact on normal splicing: Four predict the variant abolishes a 5' splicing donor site. However, these predictions have yet to be confirmed by functional studies. The variant was absent in 249596 control chromosomes (gnomAD). c.161+2T>G has been reported in the literature in at least one individual affected with Severe Combined Immunodeficiency (Cowan_2022). To our knowledge, no experimental evidence demonstrating an impact on protein function has been reported. The following publication have been ascertained in the context of this evaluation (PMID: 36546626). ClinVar contains an entry for this variant (Variation ID: 1722324). Based on the evidence outlined above, the variant was classified as pathogenic.

Cowan and Puck Lab, Allergy Immunology and BMT Division, UCSF Benioff Children's Hospital
Classification: Pathogenic for Athabaskan severe combined immunodeficiency. Last evaluated: 2021-03-23. Review status: no assertion criteria provided. Collection method: clinical testing, in vitro. Allele origin: germline, not applicable. Affected: yes. Not counted in ClinVar's aggregate classification.

Literature cited by the submitters: PubMed 36546626 (cited by Women's Health and Genetics/Laboratory Corporation of America, LabCorp).